The following is an entry in ClinVar:

ClinVar aggregate classification (germline): Pathogenic/Likely pathogenic. Review status: criteria provided, multiple submitters, no conflicts (2 of 4 stars). 2 submissions from 2 submitters: Pathogenic (1); Likely pathogenic (1). Last evaluated 2024-08-16.

Conditions:
Familial dysautonomia. Also called: FD; HSAN III. Identifiers: Orphanet 1764, MedGen C0013364, MONDO:0009131, OMIM 223900. Disease mechanism: loss of function.

Submissions (2):

Natera, Inc.
Classification: Likely pathogenic for Familial dysautonomia. Last evaluated: 2024-08-16. Review status: criteria provided, single submitter. Criteria: Natera Variant Classification Schema (03/2026). Collection method: clinical testing. Allele origin: germline.
Comment: The c.348_354delTTGGAGTinsCA variant in ELP1 is a frameshift variant predicted to shift the reading frame beginning at codon 117 and leads to a stop codon 2 codons downstream. This variant is expected to result in nonsense mediated decay, truncation, or a dysfunctional protein product. This variant is rare in the general population with a frequency below the threshold expected for the associated phenotype(s). Given the available evidence, this variant is classified as Likely Pathogenic.

Myriad Genetics, Inc.
Classification: Pathogenic for Familial dysautonomia. Last evaluated: 2023-08-30. Review status: criteria provided, single submitter. Criteria: Myriad Autosomal Dominant, Autosomal Recessive and X-Linked Classification Criteria (2023). Collection method: clinical testing. Allele origin: unknown.
Comment: NM_003640.3(ELP1):c.348_354del7ins2(W117Tfs*2) is expected to be pathogenic in the context of familial dysautonomia. This variant is predicted to lead to an abnormal or absent protein product due to the creation of a premature termination codon in ELP1, a gene where loss-of-function variants are known to be pathogenic. Please note: this variant was assessed in the context of healthy population screening.

NM_003640.5(ELP1):c.348_354delinsCA (p.Trp117fs)

Gene: ELP1 (elongator acetyltransferase complex subunit 1; minus strand). Cytogenetic location: 9q31.3.
Variant type: Indel.
Coding change: c.348_354delinsCA on transcript NM_003640.5 (MANE Select); coding-DNA positions 348 to 354, TTGGAGT replaced by CA.
Protein change: p.Trp117fs; shifts the reading frame from tryptophan 117.
Molecular consequence: frameshift variant. On other transcripts: 5 prime UTR variant (1).
Genome position (GRCh38, 1-based): chr9:108,927,403-108,927,409, ACTCCAA replaced by TG on the plus strand (TTGGAGT replaced by CA on the coding strand, the reverse complement: ELP1 is on the minus strand). VCF-style: chr9-108927403-ACTCCAA-TG. GRCh37 (hg19) VCF-style: chr9-111689683-ACTCCAA-TG.
Other names: c.6_12delinsCA, p.Trp3fs (NM_001318360.2); c.-512_-506delinsCA (NM_001330749.2); short protein forms W117fs, W3fs.
Identifiers: ClinVar variation 4815229 (VCV004815229.2).
Genomic context (GRCh38, chr9:108,927,403, plus strand): 5'-AGCCAGTGAGGCACCAGTAACAAGCTTACCTGTGGCAAGAAGCACCAGCTCTTGGTCAGG[ACTCCAA>TG]CTCATAACAGAGATACCACTGGCTACACTCCCAACACACTCCAGCTGAGACAGAGAAAAT-3'